The following is an entry in ClinVar:

ClinVar aggregate classification (germline): Uncertain significance. Review status: criteria provided, multiple submitters, no conflicts (2 of 4 stars). 2 submissions from 2 submitters: Uncertain significance (2). Last evaluated 2024-10-09.

Conditions:
NRXN1-related disorder.
Pitt-Hopkins-like syndrome 2 (PTHSL2). Identifiers: Orphanet 221150, Orphanet 600663, MedGen C3280479, MONDO:0013690, OMIM 614325.

Allele frequency attached by ClinVar (database versions not stated): gnomAD exomes below 0.00001.
gnomAD v4.1: 1 of 1,613,964 alleles (0.000062%); highest among the groups gnomAD compares: South Asian, 0.0011%; no homozygotes.

Submissions (2):

PreventionGenetics, part of Exact Sciences
Classification: Uncertain significance for NRXN1-related condition. Last evaluated: 2024-10-09. Review status: criteria provided, single submitter. Criteria: ACMG Guidelines, 2015. Collection method: clinical testing. Allele origin: germline.
Comment: The NRXN1 c.4115C>T variant is predicted to result in the amino acid substitution p.Ser1372Phe. To our knowledge, this variant has not been reported in the literature or in a large population database (gnomAD), indicating this variant is rare. At this time, the clinical significance of this variant is uncertain due to the absence of conclusive functional and genetic evidence.

Labcorp Genetics (formerly Invitae), Labcorp
Classification: Uncertain significance for Pitt-Hopkins-like syndrome 2. Last evaluated: 2022-07-02. Review status: criteria provided, single submitter. Criteria: Invitae Variant Classification Sherloc (09022015). Collection method: clinical testing. Allele origin: germline.
Comment: This sequence change replaces serine, which is neutral and polar, with phenylalanine, which is neutral and non-polar, at codon 1372 of the NRXN1 protein (p.Ser1372Phe). This variant is not present in population databases (gnomAD no frequency). This variant has not been reported in the literature in individuals affected with NRXN1-related conditions. ClinVar contains an entry for this variant (Variation ID: 940404). Algorithms developed to predict the effect of missense changes on protein structure and function are either unavailable or do not agree on the potential impact of this missense change (SIFT: "Deleterious"; PolyPhen-2: "Probably Damaging"; Align-GVGD: "Class C15"). In summary, the available evidence is currently insufficient to determine the role of this variant in disease. Therefore, it has been classified as a Variant of Uncertain Significance.

NM_001330078.2(NRXN1):c.3995C>T (p.Ser1332Phe)

Gene: NRXN1 (neurexin 1; minus strand). Cytogenetic location: 2p16.3.
Variant type: single nucleotide variant.
Coding change: c.3995C>T on transcript NM_001330078.2 (MANE Select); coding-DNA position 3995, C replaced by T.
Protein change: p.Ser1332Phe; replaces serine 1332 with phenylalanine.
Molecular consequence: missense variant.
Genome position (GRCh38, 1-based): chr2:50,053,404, G>A on the plus strand (C>T on the coding strand, the complement: NRXN1 is on the minus strand). VCF-style: chr2-50053404-G-A. GRCh37 (hg19) VCF-style: chr2-50280542-G-A.
Other names: c.4115C>T (NM_001135659.2); c.4115C>T, p.Ser1372Phe (NM_001135659.3); c.3971C>T, p.Ser1324Phe (NM_001330077.2, NM_001330082.2); c.3839C>T, p.Ser1280Phe (NM_001330083.2); c.3929C>T, p.Ser1310Phe (NM_001330084.2); c.3968C>T, p.Ser1323Phe (NM_001330085.2); c.3995C>T, p.Ser1332Phe (NM_001330086.2); c.3794C>T, p.Ser1265Phe (NM_001330087.2, NM_001330096.2); and 7 more; short protein forms S1265F, S1310F, S1324F, S297F, S1280F, S1302F, S267F, S1275F.
Identifiers: ClinVar variation 940404 (VCV000940404.10), dbSNP rs767931911, ClinGen allele CA346819606.